The following is an entry in ClinVar:

ClinVar aggregate classification (germline): Uncertain significance (1 of 4 stars; one submission).

Conditions:
Cardiac arrhythmia. Also called: Arrhythmia; Cardiac rhythm disease. Identifiers: MedGen C0003811, MONDO:0007263, HP:0011675.

gnomAD v4.1: 2 of 1,613,760 alleles (0.00012%); highest among the groups gnomAD compares: Admixed American, 0.0017%; no homozygotes.

Submission:

Color Diagnostics, LLC DBA Color Health
Classification: Uncertain significance for Cardiac arrhythmia. Last evaluated: 2025-08-30. Review status: criteria provided, single submitter. Criteria: ACMG Guidelines, 2015. Collection method: clinical testing. Allele origin: germline.
Comment: This missense variant replaces proline with leucine at codon 387 of the KCNQ1 protein. Computational prediction is inconclusive regarding the impact of this variant on protein structure and function. To our knowledge, functional studies have not been reported for this variant. This variant has not been reported in individuals affected with KCNQ1-related disorders in the literature. This variant has not been identified in the general population by the Genome Aggregation Database (gnomAD). The available evidence is insufficient to determine the role of this variant in disease conclusively. Therefore, this variant is classified as a Variant of Uncertain Significance.

NM_000218.3(KCNQ1):c.1160C>T (p.Pro387Leu)

Gene: KCNQ1 (potassium voltage-gated channel subfamily Q member 1; plus strand). Cytogenetic location: 11p15.5.
Variant type: single nucleotide variant.
Coding change: c.1160C>T on transcript NM_000218.3 (MANE Select); coding-DNA position 1160, C replaced by T.
Protein change: p.Pro387Leu; replaces proline 387 with leucine.
Molecular consequence: missense variant.
Genome position (GRCh38, 1-based): chr11:2,587,601, C>T. VCF-style: chr11-2587601-C-T. GRCh37 (hg19) VCF-style: chr11-2608831-C-T.
Other names: c.1064C>T, p.Pro355Leu (NM_001406836.1); c.890C>T, p.Pro297Leu (NM_001406837.1); c.620C>T, p.Pro207Leu (NM_001406838.1); c.779C>T, p.Pro260Leu (NM_181798.2); short protein forms P207L, P260L, P297L, P355L, P387L.
Identifiers: ClinVar variation 4757929 (VCV004757929.1).